The following is an entry in ClinVar:

NM_178335.3(CCDC50):c.520G>A (p.Gly174Arg)

Gene: CCDC50 (coiled-coil domain containing 50; plus strand). Cytogenetic location: 3q28.
Variant type: single nucleotide variant.
Coding change: c.520G>A on transcript NM_178335.3 (MANE Select); coding-DNA position 520, G replaced by A.
Protein change: p.Gly174Arg; replaces glycine 174 with arginine.
Molecular consequence: missense variant. On other transcripts: intron variant (1).
Genome position (GRCh38, 1-based): chr3:191,375,133, G>A. VCF-style: chr3-191375133-G-A. GRCh37 (hg19) VCF-style: chr3-191092922-G-A.
Other names: c.449-5026G>A (NM_174908.4); short protein forms G174R.
Identifiers: ClinVar variation 1313640 (VCV001313640.2), dbSNP rs1404575659, ClinGen allele CA355763793.
Genomic context (GRCh38, chr3:191,375,133, plus strand): 5'-TCAAGGAGGGCCAGGGAATTGGGTTCTGGATTCTCAAGACCTTGTAGACTCCAAAGAGAT[G>A]GAAAGACTGTGAAGCACAAGAAAGAGAAACCAGAACATCCACTGGAGAACTTGGAAGAGC-3'
Protein context (NP_848018.1, residues 164-184): FSRPCRLQRD[Gly174Arg]KTVKHKKEKP

ClinVar aggregate classification (germline): Uncertain significance (1 of 4 stars; one submission).

Allele frequency attached by ClinVar (database versions not stated): gnomAD exomes below 0.00001 and 0.00001.

Submission:

GeneDx
Classification: Uncertain significance. Last evaluated: 2021-07-12. Review status: criteria provided, single submitter. Criteria: GeneDx Variant Classification Process June 2021. Collection method: clinical testing. Allele origin: germline. Affected: yes.
Comment: Not observed at significant frequency in large population cohorts (Lek et al., 2016); In silico analysis supports that this missense variant does not alter protein structure/function; Has not been previously published as pathogenic or benign to our knowledge; This variant is associated with the following publications: (PMID: 27535533)